The following is an entry in ClinVar:

ClinVar aggregate classification (germline): Uncertain significance (1 of 4 stars; one submission).

Conditions:
Dilated Cardiomyopathy, Dominant.

gnomAD v4.1: 2 of 1,612,948 alleles (0.00012%); no homozygotes.

Submission:

Labcorp Genetics (formerly Invitae), Labcorp
Classification: Uncertain significance for Dilated Cardiomyopathy, Dominant. Last evaluated: 2019-02-28. Review status: criteria provided, single submitter. Criteria: Invitae Variant Classification Sherloc (09022015). Collection method: clinical testing. Allele origin: germline.
Comment: This sequence change replaces isoleucine with methionine at codon 240 of the CHRM2 protein (p.Ile240Met). The isoleucine residue is moderately conserved and there is a small physicochemical difference between isoleucine and methionine. This variant is not present in population databases (ExAC no frequency). This variant has not been reported in the literature in individuals with CHRM2-related conditions. Algorithms developed to predict the effect of missense changes on protein structure and function (SIFT, PolyPhen-2, Align-GVGD) all suggest that this variant is likely to be tolerated, but these predictions have not been confirmed by published functional studies and their clinical significance is uncertain. In summary, the available evidence is currently insufficient to determine the role of this variant in disease. Therefore, it has been classified as a Variant of Uncertain Significance.

NM_001006630.2(CHRM2):c.720A>G (p.Ile240Met)

Genes: CHRM2 (cholinergic receptor muscarinic 2; plus strand), LOC349160 (uncharacterized LOC349160; minus strand). Cytogenetic location: 7q33.
Variant type: single nucleotide variant.
Coding change: c.720A>G on transcript NM_001006630.2 (MANE Select); coding-DNA position 720, A replaced by G.
Protein change: p.Ile240Met; replaces isoleucine 240 with methionine.
Molecular consequence: missense variant.
Genome position (GRCh38, 1-based): chr7:137,015,585, A>G. VCF-style: chr7-137015585-A-G. GRCh37 (hg19) VCF-style: chr7-136700332-A-G.
Other names: c.720A>G, p.Ile240Met (NM_000739.3, NM_001006626.3, NM_001006627.3 and 6 more transcripts); short protein forms I240M.
Identifiers: ClinVar variation 843055 (VCV000843055.1), dbSNP rs1805119053, ClinGen allele CA369487124.